The following is an entry in ClinVar:

NM_001267550.2(TTN):c.54812-5A>C

Genes: TTN (titin; minus strand), TTN-AS1 (TTN antisense RNA 1; plus strand). Cytogenetic location: 2q31.2.
Variant type: single nucleotide variant.
Coding change: c.54812-5A>C on transcript NM_001267550.2 (MANE Select); 5 bases into the intron before coding-DNA position 54812, A replaced by C.
Molecular consequence: intron variant.
Genome position (GRCh38, 1-based): chr2:178,602,595, T>G on the plus strand (A>C on the coding strand, the complement: TTN is on the minus strand). VCF-style: chr2-178602595-T-G. GRCh37 (hg19) VCF-style: chr2-179467322-T-G.
Other names: c.27617-5A>C (NM_003319.4); c.28193-5A>C (NM_133437.4); c.27992-5A>C (NM_133432.3); c.47108-5A>C (NM_133378.4); c.49889-5A>C (NM_001256850.1).
Identifiers: ClinVar variation 1795691 (VCV001795691.2), dbSNP rs375343798, ClinGen allele CA2580064891.

ClinVar aggregate classification (germline): Uncertain significance (1 of 4 stars; one submission).

Conditions:
Cardiovascular phenotype. Identifiers: MedGen CN230736.

Submission:

Ambry Genetics
Classification: Uncertain significance for Cardiovascular phenotype. Last evaluated: 2021-07-04. Review status: criteria provided, single submitter. Criteria: Ambry Variant Classification Scheme 2023. Collection method: clinical testing. Allele origin: germline.
Comment: The c.27617-5A>C intronic variant results from an A to C substitution 5 nucleotides upstream from coding exon 110 in the TTN gene. This nucleotide position is well conserved in available vertebrate species. In silico splice site analysis predicts that this alteration will not have any significant effect on splicing. Since supporting evidence is limited at this time, the clinical significance of this alteration remains unclear.